The following is an entry in ClinVar:

NM_139276.3(STAT3):c.1234-7C>T

Gene: STAT3 (signal transducer and activator of transcription 3; minus strand). Cytogenetic location: 17q21.2.
Variant type: single nucleotide variant.
Coding change: c.1234-7C>T on transcript NM_139276.3 (MANE Select); 7 bases into the intron before coding-DNA position 1234, C replaced by T.
Molecular consequence: intron variant.
Genome position (GRCh38, 1-based): chr17:42,329,464, G>A on the plus strand (C>T on the coding strand, the complement: STAT3 is on the minus strand). VCF-style: chr17-42329464-G-A. GRCh37 (hg19) VCF-style: chr17-40481482-G-A.
Other names: c.1138-7C>T (NM_001384989.1); c.1174-7C>T (NM_001384992.1); c.1234-7C>T (NM_001384984.1, NM_001369519.1, NM_003150.4 and 12 more transcripts); c.1156-7C>T (NM_001384985.1); c.1249-7C>T (NM_001384986.1, NM_001384990.1).
Identifiers: ClinVar variation 1123951 (VCV001123951.12), dbSNP rs578087107, ClinGen allele CA8575382.

ClinVar aggregate classification (germline): Benign/Likely benign. Review status: criteria provided, multiple submitters, no conflicts (2 of 4 stars). 3 submissions from 3 submitters: Benign (1); Likely benign (2). Last evaluated 2025-12-06.

Conditions:
STAT3 gain of function. Identifiers: MedGen C4288261.
Hyper-IgE recurrent infection syndrome 1, autosomal dominant. Also called: Job's Syndrome; JOB SYNDROME; HYPER-IgE SYNDROME 1, AUTOSOMAL DOMINANT, WITH RECURRENT INFECTIONS; Hyper-IgE recurrent infection syndrome 1; STAT3 Hyper IgE Syndrome. Identifiers: Orphanet 2314, MedGen C2936739, MONDO:0007818, OMIM 147060.

Allele frequency attached by ClinVar (database versions not stated): TOPMed 0.00002; ExAC 0.00004; gnomAD 0.00005; gnomAD exomes 0.00005 and 0.00016.
gnomAD v4.1: 235 of 1,614,178 alleles (0.015%); highest among the groups gnomAD compares: Non-Finnish European, 0.019%; no homozygotes.

Submissions (3):

Labcorp Genetics (formerly Invitae), Labcorp
Classification: Likely benign for STAT3 gain of function; Hyper-IgE recurrent infection syndrome 1, autosomal dominant. Last evaluated: 2025-12-06. Review status: criteria provided, single submitter. Criteria: Invitae Variant Classification Sherloc (09022015). Collection method: clinical testing. Allele origin: germline.

Women's Health and Genetics/Laboratory Corporation of America, LabCorp
Classification: Benign. Last evaluated: 2025-04-30. Review status: criteria provided, single submitter. Criteria: LabCorp Variant Classification Summary - May 2015. Collection method: clinical testing. Allele origin: germline.
Comment: Variant summary: STAT3 c.1234-7C>T alters a nucleotide located at a position not widely known to affect splicing. Consensus agreement among computation tools predict no significant impact on normal splicing. However, these predictions have yet to be confirmed by functional studies. The variant allele was found at a frequency of 5.2e-05 in 251446 control chromosomes (gnomAD). The observed variant frequency is approximately 24 fold of the estimated maximal expected allele frequency for a pathogenic variant in STAT3 causing Hyper IgE Syndrome phenotype (2.2e-06). To our knowledge, no occurrence of c.1234-7C>T in individuals affected with Hyper IgE Syndrome and no experimental evidence demonstrating its impact on protein function have been reported. ClinVar contains an entry for this variant (Variation ID: 1123951). Based on the evidence outlined above, the variant was classified as benign.

Blueprint Genetics
Classification: Likely benign. Last evaluated: 2024-07-10. Review status: criteria provided, single submitter. Criteria: ACMG Guidelines, 2015. Collection method: clinical testing. Allele origin: germline.